The following is an entry in ClinVar:

NM_000836.4(GRIN2D):c.3403G>A (p.Ala1135Thr)

Gene: GRIN2D (glutamate ionotropic receptor NMDA type subunit 2D; plus strand). Cytogenetic location: 19q13.33.
Variant type: single nucleotide variant.
Coding change: c.3403G>A on transcript NM_000836.4 (MANE Select); coding-DNA position 3403, G replaced by A.
Protein change: p.Ala1135Thr; replaces alanine 1135 with threonine.
Molecular consequence: missense variant.
Genome position (GRCh38, 1-based): chr19:48,443,329, G>A. VCF-style: chr19-48443329-G-A. GRCh37 (hg19) VCF-style: chr19-48946586-G-A.
Other names: c.3403G>A (NM_000836.2); short protein forms A1135T.
Identifiers: ClinVar variation 2105268 (VCV002105268.5), dbSNP rs762247566, ClinGen allele CA406676047.

ClinVar aggregate classification (germline): Uncertain significance. Review status: criteria provided, multiple submitters, no conflicts (2 of 4 stars). 3 submissions from 3 submitters: Uncertain significance (3). Last evaluated 2025-07-31.

Conditions:
Inborn genetic diseases. Identifiers: MedGen C0950123, MeSH D030342.

gnomAD v4.1: 2 of 1,540,450 alleles (0.00013%); highest among the groups gnomAD compares: East Asian, 0.0026%; no homozygotes.

Submissions (3):

Ambry Genetics
Classification: Uncertain significance for Inborn genetic diseases. Last evaluated: 2025-07-31. Review status: criteria provided, single submitter. Criteria: Ambry Variant Classification Scheme 2023. Collection method: clinical testing. Allele origin: germline.

GeneDx
Classification: Uncertain significance. Last evaluated: 2025-03-26. Review status: criteria provided, single submitter. Criteria: GeneDx Variant Classification Process June 2021. Collection method: clinical testing. Allele origin: germline. Affected: yes.
Comment: Not observed at significant frequency in large population cohorts (gnomAD); In silico analysis indicates that this missense variant does not alter protein structure/function; Has not been previously published as pathogenic or benign to our knowledge

Labcorp Genetics (formerly Invitae), Labcorp
Classification: Uncertain significance. Last evaluated: 2022-10-27. Review status: criteria provided, single submitter. Criteria: Invitae Variant Classification Sherloc (09022015). Collection method: clinical testing. Allele origin: germline.
Comment: In summary, the available evidence is currently insufficient to determine the role of this variant in disease. Therefore, it has been classified as a Variant of Uncertain Significance. Advanced modeling of protein sequence and biophysical properties (such as structural, functional, and spatial information, amino acid conservation, physicochemical variation, residue mobility, and thermodynamic stability) performed at Invitae indicates that this missense variant is not expected to disrupt GRIN2D protein function. This variant has not been reported in the literature in individuals affected with GRIN2D-related conditions. This variant is not present in population databases (gnomAD no frequency). This sequence change replaces alanine, which is neutral and non-polar, with threonine, which is neutral and polar, at codon 1135 of the GRIN2D protein (p.Ala1135Thr).